The following is an entry in ClinVar:

NM_001853.4(COL9A3):c.1240C>T (p.Pro414Ser)

Gene: COL9A3 (collagen type IX alpha 3 chain; plus strand). Cytogenetic location: 20q13.33.
Variant type: single nucleotide variant.
Coding change: c.1240C>T on transcript NM_001853.4 (MANE Select); coding-DNA position 1240, C replaced by T.
Protein change: p.Pro414Ser; replaces proline 414 with serine.
Molecular consequence: missense variant.
Genome position (GRCh38, 1-based): chr20:62,830,541, C>T. VCF-style: chr20-62830541-C-T. GRCh37 (hg19) VCF-style: chr20-61461893-C-T.
Other names: short protein forms P414S.
Identifiers: ClinVar variation 1425061 (VCV001425061.8), dbSNP rs543868483, ClinGen allele CA9949845.

ClinVar aggregate classification (germline): Uncertain significance (1 of 4 stars; one submission).

Allele frequency attached by ClinVar (database versions not stated): ExAC 0.00003; gnomAD 0.00004 and 0.00005; 1000 Genomes Project 30x 0.00016; 1000 Genomes Project 0.00020.
gnomAD v4.1: 13 of 1,608,418 alleles (0.00081%); highest among the groups gnomAD compares: African/African-American, 0.012%; no homozygotes.

Submission:

Labcorp Genetics (formerly Invitae), Labcorp
Classification: Uncertain significance. Last evaluated: 2025-05-22. Review status: criteria provided, single submitter. Criteria: Invitae Variant Classification Sherloc (09022015). Collection method: clinical testing. Allele origin: germline.
Comment: This sequence change replaces proline, which is neutral and non-polar, with serine, which is neutral and polar, at codon 414 of the COL9A3 protein (p.Pro414Ser). This variant is present in population databases (rs543868483, gnomAD 0.01%). This variant has not been reported in the literature in individuals affected with COL9A3-related conditions. ClinVar contains an entry for this variant (Variation ID: 1425061). Invitae Evidence Modeling of protein sequence and biophysical properties (such as structural, functional, and spatial information, amino acid conservation, physicochemical variation, residue mobility, and thermodynamic stability) indicates that this missense variant is not expected to disrupt COL9A3 protein function with a negative predictive value of 95%. In summary, the available evidence is currently insufficient to determine the role of this variant in disease. Therefore, it has been classified as a Variant of Uncertain Significance.